The following is an entry in ClinVar:

ClinVar aggregate classification (germline): Uncertain significance. Review status: criteria provided, multiple submitters, no conflicts (2 of 4 stars). 4 submissions from 4 submitters: Uncertain significance (3). 1 of the submissions does not count toward it. Last evaluated 2026-01-28.

Conditions:
Metaphyseal dysplasia without hypotrichosis. Also called: Metaphyseal Dysplasia without Hypotrichosis (MDWH); CARTILAGE-HAIR HYPOPLASIA VARIANT, SKELETAL MANIFESTATIONS ONLY; CARTILAGE-HAIR HYPOPLASIA-LIKE SKELETAL DYSPLASIA WITHOUT HYPOTRICHOSIS OR IMMUNODEFICIENCY. Identifiers: MedGen C1834821, MONDO:0009601, OMIM 250460.
Anauxetic dysplasia 1 (ANXD1). Also called: Anauxetic Dysplasia (AD). Identifiers: Orphanet 93347, MedGen C4551965, MONDO:0054560, OMIM 607095.
Metaphyseal chondrodysplasia, McKusick type (CHH). Also called: Cartilage-Hair Hypoplasia (CHH); Cartilage-hair hypoplasia. Identifiers: Orphanet 175, MedGen C0220748, MONDO:0009595, OMIM 250250.
Anauxetic dysplasia. Identifiers: Orphanet 93347, MedGen C1846796, MONDO:0011773.

Submissions (4):

Labcorp Genetics (formerly Invitae), Labcorp
Classification: Uncertain significance for Anauxetic dysplasia. Last evaluated: 2026-01-28. Review status: criteria provided, single submitter. Criteria: Invitae Variant Classification Sherloc (09022015). Collection method: clinical testing. Allele origin: germline.
Comment: This variant occurs in the RMRP gene, which encodes an RNA molecule that does not result in a protein product. This variant is present in population databases (rs12552387, gnomAD 0.03%). This variant has not been reported in the literature in individuals affected with RMRP-related conditions. ClinVar contains an entry for this variant (Variation ID: 1054384). Experimental studies and prediction algorithms are not available or were not evaluated, and the functional significance of this variant is currently unknown. In summary, the available evidence is currently insufficient to determine the role of this variant in disease. Therefore, it has been classified as a Variant of Uncertain Significance.

Women's Health and Genetics/Laboratory Corporation of America, LabCorp
Classification: Uncertain significance. Last evaluated: 2024-09-10. Review status: criteria provided, single submitter. Criteria: LabCorp Variant Classification Summary - May 2015. Collection method: clinical testing. Allele origin: germline.
Comment: Variant summary: RMRP n.-9T>C is located in the untranscribed region upstream of the RMRP gene region. The variant was absent in 127922 control chromosomes. The available data on variant occurrences in the general population are insufficient to allow any conclusion about variant significance. To our knowledge, no occurrence of n.-9T>C in individuals affected with Cartilage-Hair Hypoplasia and no experimental evidence demonstrating its impact on protein function have been reported. ClinVar contains an entry for this variant (Variation ID: 1054384). Based on the evidence outlined above, the variant was classified as uncertain significance.

Fulgent Genetics
Classification: Uncertain significance for Metaphyseal chondrodysplasia, McKusick type; Metaphyseal dysplasia without hypotrichosis; Anauxetic dysplasia 1. Last evaluated: 2022-01-19. Review status: criteria provided, single submitter. Criteria: ACMG Guidelines, 2015. Collection method: clinical testing. Allele origin: unknown.

Natera, Inc.
Classification: Uncertain significance for Cartilage-hair hypoplasia. Last evaluated: 2020-02-04. Review status: no assertion criteria provided. Collection method: clinical testing. Allele origin: germline. Not counted in ClinVar's aggregate classification.

NC_000009.12:g.35658027A>G

Gene: RMRP (RNA component of mitochondrial RNA processing endoribonuclease; minus strand). Cytogenetic location: 9p13.3.
Variant type: single nucleotide variant.
Genome position: GRCh38 VCF-style: chr9-35658027-A-G. GRCh37 (hg19) VCF-style: chr9-35658024-A-G.
Identifiers: ClinVar variation 1054384 (VCV001054384.6), dbSNP rs12552387, ClinGen allele CA5045885.